The following is an entry in ClinVar:

NM_005619.5(RTN2):c.1487G>A (p.Arg496Gln)

Genes: OPA3-RTN2 (OPA3-RTN2 readthrough; minus strand), RTN2 (reticulon 2; minus strand). Cytogenetic location: 19q13.32.
Variant type: single nucleotide variant.
Coding change: c.1487G>A on transcript NM_005619.5 (MANE Select); coding-DNA position 1487, G replaced by A.
Protein change: p.Arg496Gln; replaces arginine 496 with glutamine.
Molecular consequence: missense variant.
Genome position (GRCh38, 1-based): chr19:45,488,481, C>T on the plus strand (G>A on the coding strand, the complement: RTN2 is on the minus strand). VCF-style: chr19-45488481-C-T. GRCh37 (hg19) VCF-style: chr19-45991739-C-T.
Other names: c.1268G>A, p.Arg423Gln (NM_206900.3); c.467G>A, p.Arg156Gln (NM_206901.3); short protein forms R423Q, R156Q, R496Q.
Identifiers: ClinVar variation 3315699 (VCV003315699.3).

ClinVar aggregate classification (germline): Uncertain significance. Review status: criteria provided, multiple submitters, no conflicts (2 of 4 stars). 2 submissions from 2 submitters: Uncertain significance (2). Last evaluated 2024-11-22.

Conditions:
Inborn genetic diseases. Identifiers: MedGen C0950123, MeSH D030342.
Spastic paraplegia. Identifiers: MedGen C0037772, HP:0001258.

gnomAD v4.1: 6 of 1,613,768 alleles (0.00037%); highest among the groups gnomAD compares: African/African-American, 0.0027%; no homozygotes.

Submissions (2):

Labcorp Genetics (formerly Invitae), Labcorp
Classification: Uncertain significance for Spastic paraplegia. Last evaluated: 2024-11-22. Review status: criteria provided, single submitter. Criteria: Invitae Variant Classification Sherloc (09022015). Collection method: clinical testing. Allele origin: germline.
Comment: This sequence change replaces arginine, which is basic and polar, with glutamine, which is neutral and polar, at codon 496 of the RTN2 protein (p.Arg496Gln). This variant is present in population databases (rs752465413, gnomAD 0.007%). This variant has not been reported in the literature in individuals affected with RTN2-related conditions. An algorithm developed to predict the effect of missense changes on protein structure and function (PolyPhen-2) suggests that this variant is likely to be tolerated. In summary, the available evidence is currently insufficient to determine the role of this variant in disease. Therefore, it has been classified as a Variant of Uncertain Significance.

Ambry Genetics
Classification: Uncertain significance for Inborn genetic diseases. Last evaluated: 2024-05-13. Review status: criteria provided, single submitter. Criteria: Ambry Variant Classification Scheme 2023. Collection method: clinical testing. Allele origin: germline.